The following is an entry in ClinVar:

ClinVar aggregate classification (germline): Uncertain significance. Review status: criteria provided, multiple submitters, no conflicts (2 of 4 stars). 2 submissions from 2 submitters: Uncertain significance (2). Last evaluated 2025-03-25.

Conditions:
Brugada syndrome 8 (BRGDA8). Identifiers: Orphanet 130, MedGen C2751083, MONDO:0013148, OMIM 613123.

gnomAD v4.1: 3 of 1,601,576 alleles (0.00019%); highest among the groups gnomAD compares: Non-Finnish European, 0.00025%; no homozygotes.

Submissions (2):

Labcorp Genetics (formerly Invitae), Labcorp
Classification: Uncertain significance for Brugada syndrome 8. Last evaluated: 2025-03-25. Review status: criteria provided, single submitter. Criteria: Invitae Variant Classification Sherloc (09022015). Collection method: clinical testing. Allele origin: germline.
Comment: This sequence change replaces alanine, which is neutral and non-polar, with threonine, which is neutral and polar, at codon 194 of the HCN4 protein (p.Ala194Thr). This variant is not present in population databases (gnomAD no frequency). This variant has not been reported in the literature in individuals affected with HCN4-related conditions. ClinVar contains an entry for this variant (Variation ID: 3383506). Invitae Evidence Modeling of protein sequence and biophysical properties (such as structural, functional, and spatial information, amino acid conservation, physicochemical variation, residue mobility, and thermodynamic stability) indicates that this missense variant is not expected to disrupt HCN4 protein function with a negative predictive value of 95%. In summary, the available evidence is currently insufficient to determine the role of this variant in disease. Therefore, it has been classified as a Variant of Uncertain Significance.

GeneDx
Classification: Uncertain significance. Last evaluated: 2024-05-29. Review status: criteria provided, single submitter. Criteria: GeneDx Variant Classification Process June 2021. Collection method: clinical testing. Allele origin: germline. Affected: yes.
Comment: Has not been previously published as pathogenic or benign to our knowledge; Not observed at significant frequency in large population cohorts (gnomAD); In silico analysis supports that this missense variant does not alter protein structure/function

NM_005477.3(HCN4):c.580G>A (p.Ala194Thr)

Gene: HCN4 (hyperpolarization activated cyclic nucleotide gated potassium channel 4; minus strand). Cytogenetic location: 15q24.1.
Variant type: single nucleotide variant.
Coding change: c.580G>A on transcript NM_005477.3 (MANE Select); coding-DNA position 580, G replaced by A.
Protein change: p.Ala194Thr; replaces alanine 194 with threonine.
Molecular consequence: missense variant.
Genome position (GRCh38, 1-based): chr15:73,367,691, C>T on the plus strand (G>A on the coding strand, the complement: HCN4 is on the minus strand). VCF-style: chr15-73367691-C-T. GRCh37 (hg19) VCF-style: chr15-73660032-C-T.
Other names: short protein forms A194T.
Identifiers: ClinVar variation 3383506 (VCV003383506.2).